The following is an entry in ClinVar:

ClinVar aggregate classification (germline): Pathogenic (1 of 4 stars; one submission).

Conditions:
Familial thoracic aortic aneurysm and aortic dissection (TAAD). Also called: Thoracic aortic aneurysms and dissections. Identifiers: Orphanet 91387, MedGen C4707243, MONDO:0019625.
Marfan syndrome (MFS). Also called: FBN1-Related Marfan Syndrome; Marfan syndrome type 1; Marfan's syndrome; Marfan syndrome, classic; MARFAN SYNDROME, TYPE I. Identifiers: Orphanet 284963, Orphanet 558, MedGen C0024796, MONDO:0007947, OMIM 154700.

Submission:

Labcorp Genetics (formerly Invitae), Labcorp
Classification: Pathogenic for Marfan syndrome; Thoracic aortic aneurysm and aortic dissection. Last evaluated: 2018-05-31. Review status: criteria provided, single submitter. Criteria: Invitae Variant Classification Sherloc (09022015). Collection method: clinical testing. Allele origin: germline.
Comment: This variant is a gross deletion of the genomic region encompassing exons 2-3 of the FBN1 gene, which includes the initiator codon. The 5' end of this event is unknown as it extends beyond the assayed region for this gene and therefore may encompass additional genes. The 3' boundary is likely confined to intron 3 of the FBN1 gene. This is expected to result in an absent or disrupted protein product. This variant has not been reported in the literature in individuals with FBN1-related disease. Loss-of-function variants in FBN1 are known to be pathogenic (PMID: 17657824, 19293843). For these reasons, this variant has been classified as Pathogenic.

NC_000015.10:g.(?_48612990)_(48644789_?)del

Genes: FBN1 (fibrillin 1; minus strand), LOC130057019 (ATAC-STARR-seq lymphoblastoid silent region 6417; plus strand). Cytogenetic location: 15q21.1.
Variant type: Deletion.
Identifiers: ClinVar variation 584085 (VCV000584085.1).